The following is an entry in ClinVar:

ClinVar aggregate classification (germline): Uncertain significance (1 of 4 stars; one submission).

Conditions:
Hypertrophic cardiomyopathy 26. Also called: Cardiomyopathy, familial hypertrophic, 26. Identifiers: Orphanet 75249, MedGen C4310749, MONDO:0014883, OMIM 617047.
Myofibrillar myopathy 5. Also called: Filaminopathy (type); FILAMINOPATHY, AUTOSOMAL DOMINANT. Identifiers: Orphanet 171445, MedGen C1836050, MONDO:0012289, OMIM 609524.
Distal myopathy with posterior leg and anterior hand involvement. Also called: WILLIAMS DISTAL MYOPATHY. Identifiers: Orphanet 63273, MedGen C3279722, MONDO:0013550, OMIM 614065.

gnomAD v4.1: 1 of 1,614,052 alleles (0.000062%); highest among the groups gnomAD compares: Non-Finnish European, 0.000085%; no homozygotes.

Submission:

Labcorp Genetics (formerly Invitae), Labcorp
Classification: Uncertain significance for Distal myopathy with posterior leg and anterior hand involvement; Myofibrillar myopathy 5; Hypertrophic cardiomyopathy 26. Last evaluated: 2024-02-22. Review status: criteria provided, single submitter. Criteria: Invitae Variant Classification Sherloc (09022015). Collection method: clinical testing. Allele origin: germline.
Comment: This sequence change replaces serine, which is neutral and polar, with threonine, which is neutral and polar, at codon 967 of the FLNC protein (p.Ser967Thr). This variant is not present in population databases (gnomAD no frequency). This variant has not been reported in the literature in individuals affected with FLNC-related conditions. Advanced modeling of protein sequence and biophysical properties (such as structural, functional, and spatial information, amino acid conservation, physicochemical variation, residue mobility, and thermodynamic stability) has been performed at Invitae for this missense variant, however the output from this modeling did not meet the statistical confidence thresholds required to predict the impact of this variant on FLNC protein function. In summary, the available evidence is currently insufficient to determine the role of this variant in disease. Therefore, it has been classified as a Variant of Uncertain Significance.

NM_001458.5(FLNC):c.2900G>C (p.Ser967Thr)

Gene: FLNC (filamin C; plus strand). Cytogenetic location: 7q32.1.
Variant type: single nucleotide variant.
Coding change: c.2900G>C on transcript NM_001458.5 (MANE Select); coding-DNA position 2900, G replaced by C.
Protein change: p.Ser967Thr; replaces serine 967 with threonine.
Molecular consequence: missense variant.
Genome position (GRCh38, 1-based): chr7:128,843,884, G>C. VCF-style: chr7-128843884-G-C. GRCh37 (hg19) VCF-style: chr7-128483938-G-C.
Other names: c.2900G>C, p.Ser967Thr (NM_001127487.2); short protein forms S967T.
Identifiers: ClinVar variation 3748491 (VCV003748491.2).